The following is an entry in ClinVar:

ClinVar aggregate classification (germline): Pathogenic (1 of 4 stars; one submission).

Submission:

CeGaT Center for Human Genetics Tuebingen
Classification: Pathogenic. Last evaluated: 2026-05-01. Review status: criteria provided, single submitter. Criteria: CeGaT Center For Human Genetics Tuebingen Variant Classification Criteria Version 2. Collection method: clinical testing. Allele origin: germline. Affected: yes. Observed: 1 variant allele.
Comment: SYNE1: PVS1, PM2

NM_182961.4(SYNE1):c.11447del (p.His3816fs)

Gene: SYNE1 (spectrin repeat containing nuclear envelope protein 1; minus strand). Cytogenetic location: 6q25.2.
Variant type: Deletion.
Coding change: c.11447del on transcript NM_182961.4 (MANE Select); coding-DNA position 11447, one base deleted (A; older notation c.11447delA).
Protein change: p.His3816fs; shifts the reading frame from histidine 3816.
Molecular consequence: frameshift variant.
Genome position (GRCh38, 1-based): chr6:152,352,160, T deleted on the plus strand (A on the coding strand, the reverse complement: SYNE1 is on the minus strand). VCF-style (leftmost placement, unchanged base first): chr6-152352159-AT-A. GRCh37 (hg19) VCF-style: chr6-152673294-AT-A.
Other names: c.11402del, p.His3801fs (NM_033071.5); short protein forms H3801fs, H3816fs.
Identifiers: ClinVar variation 4874896 (VCV004874896.2).